The following is an entry in ClinVar:

NM_138694.4(PKHD1):c.4459G>C (p.Val1487Leu)

Gene: PKHD1 (PKHD1 ciliary IPT domain containing fibrocystin/polyductin; minus strand). Cytogenetic location: 6p12.2.
Variant type: single nucleotide variant.
Coding change: c.4459G>C on transcript NM_138694.4 (MANE Select); coding-DNA position 4459, G replaced by C.
Protein change: p.Val1487Leu; replaces valine 1487 with leucine.
Molecular consequence: missense variant.
Genome position (GRCh38, 1-based): chr6:52,025,351, C>G on the plus strand (G>C on the coding strand, the complement: PKHD1 is on the minus strand). VCF-style: chr6-52025351-C-G. GRCh37 (hg19) VCF-style: chr6-51890149-C-G.
Other names: c.4459G>C, p.Val1487Leu (NM_170724.3); short protein forms V1487L.
Identifiers: ClinVar variation 2177307 (VCV002177307.1), dbSNP rs140752499, ClinGen allele CA3852719.
Genomic context (GRCh38, chr6:52,025,351, plus strand): 5'-GACCCCTAATCAGCACAGTGGTCAGAGACCCACTGGTGTTTGTGGACAAGGCATCCATGA[C>G]AGGACTTGCCTCTTCCCTTATGAAAAGAGTGCAATTCCCCTGACACTCGCTGGTTAGCCC-3'
Protein context (NP_619639.3, residues 1477-1497): TLFIREEASP[Val1487Leu]MDALSTNTSG

ClinVar aggregate classification (germline): Uncertain significance (1 of 4 stars; one submission).

Conditions:
Autosomal recessive polycystic kidney disease (ARPKD). Also called: AR polycystic kidney disease. Identifiers: Orphanet 731, Orphanet 8378, MedGen C0085548, MeSH D017044, MONDO:0009889.

Allele frequency attached by ClinVar (database versions not stated): ExAC 0.00001; gnomAD 0.00001; ESP Exome Variant Server 0.00008.
gnomAD v4.1: 55 of 1,613,796 alleles (0.0034%); highest among the groups gnomAD compares: South Asian, 0.0066%; no homozygotes.

Submission:

Labcorp Genetics (formerly Invitae), Labcorp
Classification: Uncertain significance for Autosomal recessive polycystic kidney disease. Last evaluated: 2022-08-09. Review status: criteria provided, single submitter. Criteria: Invitae Variant Classification Sherloc (09022015). Collection method: clinical testing. Allele origin: germline.
Comment: This sequence change replaces valine, which is neutral and non-polar, with leucine, which is neutral and non-polar, at codon 1487 of the PKHD1 protein (p.Val1487Leu). This variant is present in population databases (rs140752499, gnomAD 0.006%). This variant has not been reported in the literature in individuals affected with PKHD1-related conditions. Advanced modeling of protein sequence and biophysical properties (such as structural, functional, and spatial information, amino acid conservation, physicochemical variation, residue mobility, and thermodynamic stability) performed at Invitae indicates that this missense variant is not expected to disrupt PKHD1 protein function. In summary, the available evidence is currently insufficient to determine the role of this variant in disease. Therefore, it has been classified as a Variant of Uncertain Significance.